The following is an entry in ClinVar:

NM_033215.5(PPP1R3F):c.2161A>C (p.Arg721=)

Gene: PPP1R3F (protein phosphatase 1 regulatory subunit 3F; plus strand). Cytogenetic location: Xp11.23.
Variant type: single nucleotide variant.
Coding change: c.2161A>C on transcript NM_033215.5 (MANE Select); coding-DNA position 2161, A replaced by C.
Protein change: p.Arg721=; no amino-acid change (arginine 721 retained).
Molecular consequence: synonymous variant.
Genome position (GRCh38, 1-based): chrX:49,286,851, A>C. VCF-style: chrX-49286851-A-C. GRCh37 (hg19) VCF-style: chrX-49143313-A-C.
Other names: c.1123A>C, p.Arg375= (NM_001184745.2).
Identifiers: ClinVar variation 4534761 (VCV004534761.6).

ClinVar aggregate classification (germline): Likely benign (1 of 4 stars; one submission).

gnomAD v4.1: 8 of 1,192,395 alleles (0.00067%); highest among the groups gnomAD compares: African/African-American, 0.0088%; no homozygotes.

Submission:

CeGaT Center for Human Genetics Tuebingen
Classification: Likely benign. Last evaluated: 2025-10-01. Review status: criteria provided, single submitter. Criteria: CeGaT Center For Human Genetics Tuebingen Variant Classification Criteria Version 2. Collection method: clinical testing. Allele origin: germline. Affected: yes. Observed: 1 variant allele.
Comment: PPP1R3F: BP4, BP7